The following is an entry in ClinVar:

NM_058004.4(PI4KA):c.5880C>T (p.Asn1960=)

Gene: PI4KA (phosphatidylinositol 4-kinase alpha; minus strand). Cytogenetic location: 22q11.21.
Variant type: single nucleotide variant.
Coding change: c.5880C>T on transcript NM_058004.4 (MANE Select); coding-DNA position 5880, C replaced by T.
Protein change: p.Asn1960=; no amino-acid change (asparagine 1960 retained).
Molecular consequence: synonymous variant.
Genome position (GRCh38, 1-based): chr22:20,711,384, G>A on the plus strand (C>T on the coding strand, the complement: PI4KA is on the minus strand). VCF-style: chr22-20711384-G-A. GRCh37 (hg19) VCF-style: chr22-21065672-G-A.
Other names: c.5787C>T, p.Asn1929= (NM_001362862.2); c.5814C>T, p.Asn1938= (NM_001362863.2).
Identifiers: ClinVar variation 5039453 (VCV005039453.1).
Genomic context (GRCh38, chr22:20,711,384, plus strand): 5'-CGCTGTGGCTGGCTGACCGATGTGGATGATATGACCCTTCTTGTCCAGCATAATGTTGCC[G>A]TTGTGTCTGTCCTTGATCTGCAGCAGGAACAGCAGGAGGCTGTAGGCGGCCATGCTTCGG-3'
Protein context (NP_477352.3, residues 1950-1970): LFLLQIKDRH[Asn1960=]GNIMLDKKGH

ClinVar aggregate classification (germline): Likely benign (1 of 4 stars; one submission).

Submission:

CeGaT Center for Human Genetics Tuebingen
Classification: Likely benign. Last evaluated: 2026-08-01. Review status: criteria provided, single submitter. Criteria: CeGaT Center For Human Genetics Tuebingen Variant Classification Criteria Version 2. Collection method: clinical testing. Allele origin: germline. Affected: yes. Observed: 1 variant allele.
Comment: PI4KA: BP4, BP7